The following is an entry in ClinVar:

NM_002691.4(POLD1):c.1054C>T (p.Arg352Cys)

Gene: POLD1 (DNA polymerase delta 1, catalytic subunit; plus strand). Cytogenetic location: 19q13.33.
Variant type: single nucleotide variant.
Coding change: c.1054C>T on transcript NM_002691.4 (MANE Select); coding-DNA position 1054, C replaced by T.
Protein change: p.Arg352Cys; replaces arginine 352 with cysteine.
Molecular consequence: missense variant. On other transcripts: non-coding transcript variant (1).
Genome position (GRCh38, 1-based): chr19:50,403,136, C>T. VCF-style: chr19-50403136-C-T. GRCh37 (hg19) VCF-style: chr19-50906393-C-T.
Other names: c.1054C>T, p.Arg352Cys (NM_001256849.1, NM_001308632.1); short protein forms R352C.
Identifiers: ClinVar variation 408032 (VCV000408032.29), dbSNP rs762330164, ClinGen allele CA9596011.

ClinVar aggregate classification (germline): Uncertain significance. Review status: criteria provided, multiple submitters, no conflicts (2 of 4 stars). 10 submissions from 10 submitters: Uncertain significance (10). Last evaluated 2026-05-12.

Conditions:
POLD1-related disorder. Also called: POLD1-related disorders; POLD1-related condition.
Hereditary cancer-predisposing syndrome. Also called: Neoplastic Syndromes, Hereditary; Hereditary neoplastic syndrome; Hereditary Cancer Syndrome; Tumor predisposition. Identifiers: Orphanet 140162, MedGen C0027672, MeSH D009386, MONDO:0015356.
POLD1-related polyposis and colorectal cancer syndrome (CRCS10). Also called: Colorectal cancer, susceptibility to, 10; Colorectal cancer 10; COLORECTAL CANCER, SUSCEPTIBILITY TO, ON CHROMOSOME 19q. Identifiers: Orphanet 220460, MedGen C2675481, MONDO:0012953, OMIM 612591.

Allele frequency attached by ClinVar (database versions not stated): gnomAD 0.00001; gnomAD exomes 0.00002; TOPMed 0.00002; ExAC 0.00004.
gnomAD v4.1: 54 of 1,561,436 alleles (0.0035%); highest among the groups gnomAD compares: East Asian, 0.0048%; no homozygotes.

Submissions (10):

PreventionGenetics, part of Exact Sciences
Classification: Uncertain significance for POLD1-related condition. Last evaluated: 2026-05-12. Review status: criteria provided, single submitter. Criteria: ACMG Guidelines, 2015. Collection method: clinical testing. Allele origin: germline.
Comment: The POLD1 c.1054C>T variant is predicted to result in the amino acid substitution p.Arg352Cys. This variant has been reported as a variant of uncertain significance in an individual with adenomatous polyps (Mur et al 2020. PubMed ID: 32792570). This variant is reported in 0.0080% of alleles in individuals of East Asian descent in gnomAD and is interpreted as a variant of uncertain significance in ClinVar (Variation ID: 408032). At this time, the clinical significance of this variant is uncertain due to the absence of conclusive functional and genetic evidence.

Labcorp Genetics (formerly Invitae), Labcorp
Classification: Uncertain significance for POLD1-related polyposis and colorectal cancer syndrome. Last evaluated: 2026-02-03. Review status: criteria provided, single submitter. Criteria: Invitae Variant Classification Sherloc (09022015). Collection method: clinical testing. Allele origin: germline.
Comment: This sequence change replaces arginine, which is basic and polar, with cysteine, which is neutral and slightly polar, at codon 352 of the POLD1 protein (p.Arg352Cys). The frequency data for this variant in the population databases is considered unreliable, as metrics indicate poor data quality at this position in the gnomAD database. This missense change has been observed in individual(s) with adenomatous polyps (PMID: 32792570). ClinVar contains an entry for this variant (Variation ID: 408032). Invitae Evidence Modeling of protein sequence and biophysical properties (such as structural, functional, and spatial information, amino acid conservation, physicochemical variation, residue mobility, and thermodynamic stability) indicates that this missense variant is not expected to disrupt POLD1 protein function with a negative predictive value of 80%. In summary, the available evidence is currently insufficient to determine the role of this variant in disease. Therefore, it has been classified as a Variant of Uncertain Significance.

GeneDx
Classification: Uncertain significance. Last evaluated: 2025-05-15. Review status: criteria provided, single submitter. Criteria: GeneDx Variant Classification Process June 2021. Collection method: clinical testing. Allele origin: germline.
Comment: Not observed at significant frequency in large population cohorts (gnomAD); In silico analysis supports that this missense variant has a deleterious effect on protein structure/function; Observed in an individual with polyposis in the published literature (PMID: 32792570); This variant is associated with the following publications: (PMID: 25228659, 32686686, 20951805, 36814246, 32792570)

Dasa
Classification: Uncertain significance. Last evaluated: 2025-05-06. Review status: criteria provided, single submitter. Criteria: DASA Assertion Criteria. Collection method: clinical testing. Allele origin: germline.
Comment: NM_002691.4(POLD1):c.1054C>T (p.Arg352Cys) is a missense variant that results in the substitution of arginine with cysteine. This variant is rare in population databases. Computational prediction algorithms are consistent with a benign effect. The currently available literature and clinical evidence are not sufficient to establish a definitive association between this variant and the reported condition. Therefore, this variant is classified as a variant of uncertain significance.

Ambry Genetics
Classification: Uncertain significance for Hereditary cancer-predisposing syndrome. Last evaluated: 2024-11-13. Review status: criteria provided, single submitter. Criteria: Ambry Variant Classification Scheme 2023. Collection method: clinical testing. Allele origin: germline.
Comment: The p.R352C variant (also known as c.1054C>T), located in coding exon 8 of the POLD1 gene, results from a C to T substitution at nucleotide position 1054. The arginine at codon 352 is replaced by cysteine, an amino acid with highly dissimilar properties. This alteration has been identified in 1/2813 unrelated individuals undergoing multigene panel testing for hereditary cancer (Mur P et al. Genet Med, 2020 Dec;22:2089-2100). This amino acid position is highly conserved in available vertebrate species. In addition, the in silico prediction for this alteration is inconclusive. Based on the available evidence, the clinical significance of this variant remains unclear.

Molecular Pathology, Peter Maccallum Cancer Centre
Classification: Uncertain significance for POLD1-related polyposis and colorectal cancer syndrome. Last evaluated: 2024-10-10. Review status: criteria provided, single submitter. Criteria: ACMG Guidelines, 2015. Collection method: clinical testing. Allele origin: germline. Inheritance: Autosomal dominant inheritance.

Baylor Genetics
Classification: Uncertain significance for POLD1-related polyposis and colorectal cancer syndrome. Last evaluated: 2024-01-01. Review status: criteria provided, single submitter. Criteria: ACMG Guidelines, 2015. Collection method: clinical testing. Allele origin: unknown.

Blueprint Genetics
Classification: Uncertain significance. Last evaluated: 2023-10-18. Review status: criteria provided, single submitter. Criteria: ACMG Guidelines, 2015. Collection method: clinical testing. Allele origin: germline.

Sema4
Classification: Uncertain significance for Hereditary cancer-predisposing syndrome. Last evaluated: 2022-01-26. Review status: criteria provided, single submitter. Criteria: Sema4 Curation Guidelines. Collection method: curation. Allele origin: germline.
Comment: The POLD1 c.1054C>T (p.R352C) variant has been reported in at least 1 individual with adenomatous polyps (PMID: 32792570). It was observed in 1/12496 chromosomes of the East Asian (EAS) subpopulation in the large and broad cohorts of the Genome Aggregation Database (PMID: 32461654). This variant has been reported in ClinVar (Variation ID 408032). Functional studies have not been performed, and in silico predictions of the variant's effect on protein function are inconclusive. The evidence is insufficient to meet ACMG/AMP criteria for classifying the variant as benign or pathogenic. Thus, the clinical significance of this variant is currently uncertain.

Genetic Services Laboratory, University of Chicago
Classification: Uncertain significance. Last evaluated: 2021-07-23. Review status: criteria provided, single submitter. Criteria: ACMG Guidelines, 2015. Collection method: clinical testing. Allele origin: germline. Affected: no.
Comment: DNA sequence analysis of the POLD1 gene demonstrated a sequence change, c.1054C>T, in exon 9 that results in an amino acid change, p.Arg352Cys. This sequence change does not appear to have been previously described in individuals with POLD1-related disorders. This sequence change has been described in the gnomAD database with a frequency of 0.008% in the East Asian subpopulation (dbSNP rs762330164). The p.Arg352Cys change affects a highly conserved amino acid residue located in a domain of the POLD1 protein that is known to be functional. In-silico pathogenicity prediction tools (SIFT, PolyPhen2, Align GVGD, REVEL) provide contradictory results for the p.Arg352Cys substitution. Due to insufficient evidences and the lack of functional studies, the clinical significance of the p.Arg352Cys change remains unknown at this time.

Literature cited by the submitters: PubMed 32792570 (cited by 3 submitters); PubMed 25228659 (cited by Ambry Genetics).